The following is an entry in ClinVar:

ClinVar aggregate classification (germline): Uncertain significance (1 of 4 stars; one submission).

Conditions:
Seizures, benign familial infantile, 3 (BFIS3). Also called: CONVULSIONS, BENIGN FAMILIAL INFANTILE, 3; Familial neonatal seizures. Identifiers: Orphanet 140927, Orphanet 306, MedGen C1843140, MONDO:0011904, OMIM 607745.
Developmental and epileptic encephalopathy, 11 (DEE11). Also called: Early infantile epileptic encephalopathy 11. Identifiers: Orphanet 1934, MedGen C3150987, MONDO:0013388, OMIM 613721.
Episodic ataxia, type 9. Identifiers: MedGen C5394520, MONDO:0030064, OMIM 618924.

gnomAD v4.1: 12 of 1,614,016 alleles (0.00074%); highest among the groups gnomAD compares: Non-Finnish European, 0.001%; no homozygotes.

Submission:

Clinical Genomics Laboratory, Washington University in St. Louis
Classification: Uncertain significance for Developmental and epileptic encephalopathy, 11; Episodic ataxia, type 9; Seizures, benign familial infantile, 3. Last evaluated: 2025-12-09. Review status: criteria provided, single submitter. Criteria: ACMG Guidelines, 2015. Collection method: clinical testing. Allele origin: germline.
Comment: The SCN2A c.5552G>A (p.Arg1851Gln) variant, to our knowledge, has not been reported in the medical literature. This variant is absent from the general population (gnomAD v2.1.1), indicating it is not a common variant. Computational predictors indicate that the variant is damaging, evidence that correlates with impact on SCN2A function. Due to limited information, and based on the ClinGen Epilepsy Sodium Channel Expert Panel Specifications to the ACMG/AMP Variant Interpretation Guidelines for SCN2A Version 2.0.0, the clinical significance of this variant is uncertain at this time.

NM_001040142.2(SCN2A):c.5552G>A (p.Arg1851Gln)

Gene: SCN2A (sodium voltage-gated channel alpha subunit 2; plus strand). Cytogenetic location: 2q24.3.
Variant type: single nucleotide variant.
Coding change: c.5552G>A on transcript NM_001040142.2 (MANE Select); coding-DNA position 5552, G replaced by A.
Protein change: p.Arg1851Gln; replaces arginine 1851 with glutamine.
Molecular consequence: missense variant.
Genome position (GRCh38, 1-based): chr2:165,389,358, G>A. VCF-style: chr2-165389358-G-A. GRCh37 (hg19) VCF-style: chr2-166245868-G-A.
Other names: c.5552G>A, p.Arg1851Gln (NM_001040143.2, NM_001371246.1, NM_001371247.1 and 1 more transcripts); short protein forms R1851Q.
Identifiers: ClinVar variation 4879325 (VCV004879325.1).